The following is an entry in ClinVar:

ClinVar aggregate classification (germline): Uncertain significance (1 of 4 stars; one submission).

Conditions:
Gorlin syndrome. Also called: Nevoid Basal Cell Carcinoma Syndrome; Basal cell nevus syndrome. Identifiers: Orphanet 377, MedGen C0004779, MONDO:0007187.

Submission:

Labcorp Genetics (formerly Invitae), Labcorp
Classification: Uncertain significance for Gorlin syndrome. Last evaluated: 2021-01-22. Review status: criteria provided, single submitter. Criteria: Invitae Variant Classification Sherloc (09022015). Collection method: clinical testing. Allele origin: germline.
Comment: In summary, the available evidence is currently insufficient to determine the role of this variant in disease. Therefore, it has been classified as a Variant of Uncertain Significance. Algorithms developed to predict the effect of sequence changes on RNA splicing suggest that this variant may create or strengthen a splice site, but this prediction has not been confirmed by published transcriptional studies. Algorithms developed to predict the effect of missense changes on protein structure and function are either unavailable or do not agree on the potential impact of this missense change (SIFT: "Tolerated"; PolyPhen-2: "Possibly Damaging"; Align-GVGD: "Class C0"). This variant has not been reported in the literature in individuals with PTCH1-related conditions. This variant is not present in population databases (ExAC no frequency). This sequence change replaces isoleucine with serine at codon 591 of the PTCH1 protein (p.Ile591Ser). The isoleucine residue is moderately conserved and there is a large physicochemical difference between isoleucine and serine.

NM_000264.5(PTCH1):c.1772T>G (p.Ile591Ser)

Genes: PTCH1 (patched 1; minus strand), LOC100507346 (uncharacterized LOC100507346; plus strand). Cytogenetic location: 9q22.32.
Variant type: single nucleotide variant.
Coding change: c.1772T>G on transcript NM_000264.5 (MANE Select); coding-DNA position 1772, T replaced by G.
Protein change: p.Ile591Ser; replaces isoleucine 591 with serine.
Molecular consequence: missense variant. On other transcripts: non-coding transcript variant (2).
Genome position (GRCh38, 1-based): chr9:95,469,888, A>C on the plus strand (T>G on the coding strand, the complement: PTCH1 is on the minus strand). VCF-style: chr9-95469888-A-C. GRCh37 (hg19) VCF-style: chr9-98232170-A-C.
Other names: c.1319T>G, p.Ile440Ser (NM_001083604.3, NM_001083605.3, NM_001083606.3 and 1 more transcripts); c.1616T>G, p.Ile539Ser (NM_001354918.2); c.1574T>G, p.Ile525Ser (NM_001083602.3); c.1769T>G, p.Ile590Ser (NM_001083603.3); short protein forms I440S, I525S, I539S, I590S, I591S.
Identifiers: ClinVar variation 1404890 (VCV001404890.8), dbSNP rs2118094624, ClinGen allele CA374116386.